The following is an entry in ClinVar:

NM_015662.3(IFT172):c.1937+10A>G

Gene: IFT172 (intraflagellar transport 172; minus strand). Cytogenetic location: 2p23.3.
Variant type: single nucleotide variant.
Coding change: c.1937+10A>G on transcript NM_015662.3 (MANE Select); 10 bases into the intron after coding-DNA position 1937, A replaced by G.
Molecular consequence: intron variant.
Genome position (GRCh38, 1-based): chr2:27,465,401, T>C on the plus strand (A>G on the coding strand, the complement: IFT172 is on the minus strand). VCF-style: chr2-27465401-T-C. GRCh37 (hg19) VCF-style: chr2-27688268-T-C.
Identifiers: ClinVar variation 964731 (VCV000964731.1), dbSNP rs544892086, ClinGen allele CA1580486.

ClinVar aggregate classification (germline): Uncertain significance (1 of 4 stars; one submission).

Conditions:
Short-rib thoracic dysplasia 10 with or without polydactyly (SRTD10). Identifiers: Orphanet 474, MedGen C3810175, MONDO:0014284, OMIM 615630.
Retinitis pigmentosa 71 (RP71). Identifiers: Orphanet 791, MedGen C4225342, MONDO:0014618, OMIM 616394.

Allele frequency attached by ClinVar (database versions not stated): gnomAD exomes below 0.00001 and 0.00001; ExAC 0.00001; gnomAD 0.00001; TOPMed 0.00001; 1000 Genomes Project 30x 0.00016; 1000 Genomes Project 0.00020.
gnomAD v4.1: 5 of 1,611,344 alleles (0.00031%); highest among the groups gnomAD compares: African/African-American, 0.0053%; no homozygotes.

Submission:

Labcorp Genetics (formerly Invitae), Labcorp
Classification: Uncertain significance for Retinitis pigmentosa 71; Short-rib thoracic dysplasia 10 with or without polydactyly. Last evaluated: 2019-10-18. Review status: criteria provided, single submitter. Criteria: Invitae Variant Classification Sherloc (09022015). Collection method: clinical testing. Allele origin: germline.
Comment: This sequence change falls in intron 18 of the IFT172 gene. It does not directly change the encoded amino acid sequence of the IFT172 protein. This variant is present in population databases (rs544892086, ExAC 0.01%). This variant has not been reported in the literature in individuals with IFT172-related conditions. Algorithms developed to predict the effect of sequence changes on RNA splicing suggest that this variant may create or strengthen a splice site, but this prediction has not been confirmed by published transcriptional studies. In summary, the available evidence is currently insufficient to determine the role of this variant in disease. Therefore, it has been classified as a Variant of Uncertain Significance.